The following is an entry in ClinVar:

NM_001128225.3(SLC39A13):c.221G>T (p.Gly74Val)

Gene: SLC39A13 (solute carrier family 39 member 13; plus strand). Cytogenetic location: 11p11.2.
Variant type: single nucleotide variant.
Coding change: c.221G>T on transcript NM_001128225.3 (MANE Select); coding-DNA position 221, G replaced by T.
Protein change: p.Gly74Val; replaces glycine 74 with valine.
Molecular consequence: missense variant. On other transcripts: non-coding transcript variant (1).
Genome position (GRCh38, 1-based): chr11:47,410,315, G>T. VCF-style: chr11-47410315-G-T. GRCh37 (hg19) VCF-style: chr11-47431866-G-T.
Other names: c.221G>T, p.Gly74Val (NM_001330245.2, NM_152264.5); short protein forms G74V.
Identifiers: ClinVar variation 1304406 (VCV001304406.2), dbSNP rs121434363, ClinGen allele CA380309414.

ClinVar aggregate classification (germline): Uncertain significance (1 of 4 stars; one submission).

Submission:

GeneDx
Classification: Uncertain significance. Last evaluated: 2020-11-17. Review status: criteria provided, single submitter. Criteria: GeneDx Variant Classification Process June 2021. Collection method: clinical testing. Allele origin: germline. Affected: yes.
Comment: Has not been previously published as pathogenic or benign to our knowledge; Not observed in large population cohorts (Lek et al., 2016); In silico analysis supports that this missense variant has a deleterious effect on protein structure/function